The following is an entry in ClinVar:

ClinVar aggregate classification (germline): Uncertain significance (1 of 4 stars; one submission).

Conditions:
Distal myopathy with posterior leg and anterior hand involvement. Also called: WILLIAMS DISTAL MYOPATHY. Identifiers: Orphanet 63273, MedGen C3279722, MONDO:0013550, OMIM 614065.
Myofibrillar myopathy 5. Also called: Filaminopathy (type); FILAMINOPATHY, AUTOSOMAL DOMINANT. Identifiers: Orphanet 171445, MedGen C1836050, MONDO:0012289, OMIM 609524.
Hypertrophic cardiomyopathy 26. Also called: Cardiomyopathy, familial hypertrophic, 26. Identifiers: Orphanet 75249, MedGen C4310749, MONDO:0014883, OMIM 617047.

Allele frequency attached by ClinVar (database versions not stated): gnomAD exomes below 0.00001.
gnomAD v4.1: 1 of 1,613,472 alleles (0.000062%); highest among the groups gnomAD compares: South Asian, 0.0011%; no homozygotes.

Submission:

Labcorp Genetics (formerly Invitae), Labcorp
Classification: Uncertain significance for Distal myopathy with posterior leg and anterior hand involvement; Myofibrillar myopathy 5; Hypertrophic cardiomyopathy 26. Last evaluated: 2022-07-25. Review status: criteria provided, single submitter. Criteria: Invitae Variant Classification Sherloc (09022015). Collection method: clinical testing. Allele origin: germline.
Comment: This variant has not been reported in the literature in individuals affected with FLNC-related conditions. ClinVar contains an entry for this variant (Variation ID: 539413). Algorithms developed to predict the effect of missense changes on protein structure and function are either unavailable or do not agree on the potential impact of this missense change (SIFT: "Deleterious"; PolyPhen-2: "Possibly Damaging"; Align-GVGD: "Class C0"). In summary, the available evidence is currently insufficient to determine the role of this variant in disease. Therefore, it has been classified as a Variant of Uncertain Significance. This variant is not present in population databases (gnomAD no frequency). This sequence change replaces leucine, which is neutral and non-polar, with serine, which is neutral and polar, at codon 347 of the FLNC protein (p.Leu347Ser).

NM_001458.5(FLNC):c.1040T>C (p.Leu347Ser)

Gene: FLNC (filamin C; plus strand). Cytogenetic location: 7q32.1.
Variant type: single nucleotide variant.
Coding change: c.1040T>C on transcript NM_001458.5 (MANE Select); coding-DNA position 1040, T replaced by C.
Protein change: p.Leu347Ser; replaces leucine 347 with serine.
Molecular consequence: missense variant.
Genome position (GRCh38, 1-based): chr7:128,838,057, T>C. VCF-style: chr7-128838057-T-C. GRCh37 (hg19) VCF-style: chr7-128478111-T-C.
Other names: c.1040T>C, p.Leu347Ser (NM_001127487.2); short protein forms L347S.
Identifiers: ClinVar variation 539413 (VCV000539413.11), dbSNP rs1554397631, ClinGen allele CA369223449.
Genomic context (GRCh38, chr7:128,838,057, plus strand): 5'-TTCCCAACAATGACAAGGATCGCACCTATGCTGTCTCCTATGTGCCCAAGGTCGCTGGGT[T>C]ACACAAGGTATCTCCCTCTAGGCCCCCCTGCCTGCGCTGCTCTTCACATCCTTGGTTCCG-3'
Protein context (NP_001449.3, residues 337-357): AVSYVPKVAG[Leu347Ser]HKVTVLFAGQ